The following is an entry in ClinVar:

ClinVar aggregate classification (germline): Uncertain significance (1 of 4 stars; one submission).

Conditions:
Adenylosuccinate lyase deficiency (ADSLD). Also called: ADSL DEFICIENCY. Identifiers: Orphanet 46, MedGen C0268126, MONDO:0007068, OMIM 103050.

Submission:

Labcorp Genetics (formerly Invitae), Labcorp
Classification: Uncertain significance for Adenylosuccinate lyase deficiency. Last evaluated: 2025-07-07. Review status: criteria provided, single submitter. Criteria: Invitae Variant Classification Sherloc (09022015). Collection method: clinical testing. Allele origin: germline.
Comment: This sequence change replaces isoleucine, which is neutral and non-polar, with threonine, which is neutral and polar, at codon 176 of the ADSL protein (p.Ile176Thr). This variant is not present in population databases (gnomAD no frequency). This variant has not been reported in the literature in individuals affected with ADSL-related conditions. ClinVar contains an entry for this variant (Variation ID: 2073213). Invitae Evidence Modeling of protein sequence and biophysical properties (such as structural, functional, and spatial information, amino acid conservation, physicochemical variation, residue mobility, and thermodynamic stability) indicates that this missense variant is not expected to disrupt ADSL protein function with a negative predictive value of 80%. In summary, the available evidence is currently insufficient to determine the role of this variant in disease. Therefore, it has been classified as a Variant of Uncertain Significance.

NM_000026.4(ADSL):c.527T>C (p.Ile176Thr)

Gene: ADSL (adenylosuccinate lyase; plus strand). Cytogenetic location: 22q13.1.
Variant type: single nucleotide variant.
Coding change: c.527T>C on transcript NM_000026.4 (MANE Select); coding-DNA position 527, T replaced by C.
Protein change: p.Ile176Thr; replaces isoleucine 176 with threonine.
Molecular consequence: missense variant. On other transcripts: non-coding transcript variant (1).
Genome position (GRCh38, 1-based): chr22:40,358,908, T>C. VCF-style: chr22-40358908-T-C. GRCh37 (hg19) VCF-style: chr22-40754912-T-C.
Other names: c.527T>C, p.Ile176Thr (NM_001410812.1, NM_001410816.1, NM_001123378.3 and 1 more transcripts); c.482T>C, p.Ile161Thr (NM_001410814.1); c.335T>C, p.Ile112Thr (NM_001317923.2); short protein forms I161T, I176T, I112T.
Identifiers: ClinVar variation 2073213 (VCV002073213.4), dbSNP rs2044665392, ClinGen allele CA411640604.